The following is an entry in ClinVar:

NM_003579.4(RAD54L):c.1054G>A (p.Glu352Lys)

Gene: RAD54L (RAD54 like; plus strand). Cytogenetic location: 1p34.1.
Variant type: single nucleotide variant.
Coding change: c.1054G>A on transcript NM_003579.4 (MANE Select); coding-DNA position 1054, G replaced by A.
Protein change: p.Glu352Lys; replaces glutamic acid 352 with lysine.
Molecular consequence: missense variant.
Genome position (GRCh38, 1-based): chr1:46,270,670, G>A. VCF-style: chr1-46270670-G-A. GRCh37 (hg19) VCF-style: chr1-46736342-G-A.
Other names: c.1054G>A, p.Glu352Lys (NM_001142548.2); c.514G>A, p.Glu172Lys (NM_001370766.1); short protein forms E172K, E352K.
Identifiers: ClinVar variation 1778142 (VCV001778142.2), dbSNP rs2525700745, ClinGen allele CA340174266.

ClinVar aggregate classification (germline): Uncertain significance (1 of 4 stars; one submission).

Submission:

Ambry Genetics
Classification: Uncertain significance. Last evaluated: 2021-12-15. Review status: criteria provided, single submitter. Criteria: Ambry Variant Classification Scheme 2023. Collection method: clinical testing. Allele origin: germline.
Comment: The p.E352K variant (also known as c.1054G>A), located in coding exon 10 of the RAD54L gene, results from a G to A substitution at nucleotide position 1054. The glutamic acid at codon 352 is replaced by lysine, an amino acid with similar properties. This amino acid position is conserved. In addition, this alteration is predicted to be deleterious by in silico analysis. Since supporting evidence is limited at this time, the clinical significance of this alteration remains unclear.